The following is an entry in ClinVar:

ClinVar aggregate classification (germline): Uncertain significance (1 of 4 stars; one submission).

Submission:

Labcorp Genetics (formerly Invitae), Labcorp
Classification: Uncertain significance. Last evaluated: 2022-10-08. Review status: criteria provided, single submitter. Criteria: Invitae Variant Classification Sherloc (09022015). Collection method: clinical testing. Allele origin: germline.
Comment: This sequence change replaces threonine, which is neutral and polar, with lysine, which is basic and polar, at codon 417 of the COCH protein (p.Thr417Lys). This variant is not present in population databases (gnomAD no frequency). This variant has not been reported in the literature in individuals affected with COCH-related conditions. Advanced modeling of protein sequence and biophysical properties (such as structural, functional, and spatial information, amino acid conservation, physicochemical variation, residue mobility, and thermodynamic stability) performed at Invitae indicates that this missense variant is not expected to disrupt COCH protein function. In summary, the available evidence is currently insufficient to determine the role of this variant in disease. Therefore, it has been classified as a Variant of Uncertain Significance.

NM_004086.3(COCH):c.1250C>A (p.Thr417Lys)

Genes: COCH (cochlin; plus strand), COCH-AS1 (COCH antisense RNA 1; minus strand). Cytogenetic location: 14q12.
Variant type: single nucleotide variant.
Coding change: c.1250C>A on transcript NM_004086.3 (MANE Select); coding-DNA position 1250, C replaced by A.
Protein change: p.Thr417Lys; replaces threonine 417 with lysine.
Molecular consequence: missense variant. On other transcripts: non-coding transcript variant (1).
Genome position (GRCh38, 1-based): chr14:30,886,085, C>A. VCF-style: chr14-30886085-C-A. GRCh37 (hg19) VCF-style: chr14-31355291-C-A.
Other names: c.1250C>A, p.Thr417Lys (NM_001135058.2); c.1445C>A, p.Thr482Lys (NM_001347720.2); short protein forms T417K, T482K.
Identifiers: ClinVar variation 2034858 (VCV002034858.4), dbSNP rs756473964, ClinGen allele CA389348608.